The following is an entry in ClinVar:

ClinVar aggregate classification (germline): Benign/Likely benign. Review status: criteria provided, multiple submitters, no conflicts (2 of 4 stars). 3 submissions from 3 submitters: Benign (1); Likely benign (2). Last evaluated 2025-04-08.

Conditions:
Hereditary cancer-predisposing syndrome. Also called: Hereditary neoplastic syndrome; Tumor predisposition; Neoplastic Syndromes, Hereditary; Hereditary Cancer Syndrome. Identifiers: Orphanet 140162, MedGen C0027672, MeSH D009386, MONDO:0015356.
Tuberous sclerosis 1 (TSC1). Identifiers: Orphanet 805, MedGen C1854465, MONDO:0008612, OMIM 191100.

Submissions (3):

Myriad Genetics, Inc.
Classification: Benign for Tuberous sclerosis 1. Last evaluated: 2025-04-08. Review status: criteria provided, single submitter. Criteria: Myriad Autosomal Dominant, Autosomal Recessive and X-Linked Classification Criteria (2023). Collection method: clinical testing. Allele origin: unknown.
Comment: This variant is considered benign. This variant is a silent/synonymous amino acid change and it is not expected to impact splicing.

Ambry Genetics
Classification: Likely benign for Hereditary cancer-predisposing syndrome. Last evaluated: 2024-06-30. Review status: criteria provided, single submitter. Criteria: Ambry Variant Classification Scheme 2023. Collection method: clinical testing. Allele origin: germline.

Labcorp Genetics (formerly Invitae), Labcorp
Classification: Likely benign for Tuberous sclerosis 1. Last evaluated: 2019-08-18. Review status: criteria provided, single submitter. Criteria: Invitae Variant Classification Sherloc (09022015). Collection method: clinical testing. Allele origin: germline.

NM_000368.5(TSC1):c.639G>A (p.Leu213=)

Gene: TSC1 (TSC complex subunit 1; minus strand). Cytogenetic location: 9q34.13.
Variant type: single nucleotide variant.
Coding change: c.639G>A on transcript NM_000368.5 (MANE Select); coding-DNA position 639, G replaced by A.
Protein change: p.Leu213=; no amino-acid change (leucine 213 retained).
Molecular consequence: synonymous variant.
Genome position (GRCh38, 1-based): chr9:132,921,843, C>T on the plus strand (G>A on the coding strand, the complement: TSC1 is on the minus strand). VCF-style: chr9-132921843-C-T. GRCh37 (hg19) VCF-style: chr9-135797230-C-T.
Other names: c.639G>A, p.Leu213= (NM_001162426.2); c.486G>A, p.Leu162= (NM_001162427.2); c.276G>A, p.Leu92= (NM_001362177.2); c.639G>A (NM_000368.4).
Identifiers: ClinVar variation 1108683 (VCV001108683.11), dbSNP rs2132151091, ClinGen allele CA467593776.